The following is an entry in ClinVar:

NM_000458.4(HNF1B):c.308CGG[1] (p.Ala104del)

Gene: HNF1B (HNF1 homeobox B; minus strand). Cytogenetic location: 17q12.
Variant type: Microsatellite.
Coding change: c.308CGG[1] on transcript NM_000458.4 (MANE Select); one copy of the 3-base unit CGG starting at c.308; the reference has two copies in a row; one copy, 3 bases deleted.
Protein change: p.Ala104del; deletes alanine 104.
Molecular consequence: inframe deletion.
Genome position (GRCh38, 1-based): chr17:37,744,572-37,744,574, CCG deleted on the plus strand (CGG on the coding strand, the reverse complement: HNF1B is on the minus strand); deleting any 3 consecutive bases within chr17:37,744,572-37,744,579 gives the same sequence; the position shown is the placement nearest the transcript's 3' end. VCF-style (leftmost placement, unchanged base first): chr17-37744571-TCCG-T. GRCh37 (hg19) VCF-style: chr17-36104562-TCCG-T.
Other names: c.308CGG[1], p.Ala104del (NM_001165923.4, NM_001304286.2); short protein forms A104del.
Identifiers: ClinVar variation 1699536 (VCV001699536.3), dbSNP rs2147598597, ClinGen allele CA2580613120.
Genomic context (GRCh38, chr17:37,744,571, plus strand): 5'-TGGGTCCCCTCCACCTCGCTCTGCGCCTACCTGAGCATCCGGTCCACCTCCGCCCGCTGC[TCCG>T]CCGCCTCCTCGGTGTTGAGCGCCTGCAGCTCCTTGAGGATGGGAGGTGTGTCATAGTCGT-3'

ClinVar aggregate classification (germline): Uncertain significance (1 of 4 stars; one submission).

Submission:

GeneDx
Classification: Uncertain significance. Last evaluated: 2026-04-05. Review status: criteria provided, single submitter. Criteria: GeneDx Variant Classification Process June 2021. Collection method: clinical testing. Allele origin: germline.
Comment: In-frame deletion of 1 amino acid in a non-repeat region; Not observed at significant frequency in large population cohorts (gnomAD); In silico analysis supports a deleterious effect on protein structure/function; Has not been previously published as pathogenic or benign to our knowledge; This variant is associated with the following publications: (PMID: 17924661)